The following is an entry in ClinVar:

ClinVar aggregate classification (germline): Benign/Likely benign. Review status: criteria provided, multiple submitters, no conflicts (2 of 4 stars). 3 submissions from 3 submitters: Benign (1); Likely benign (2). Last evaluated 2026-02-01.

Conditions:
Hereditary spastic paraplegia 50 (SPG50). Also called: Spastic paraplegia 50, autosomal recessive. Identifiers: Orphanet 280763, MedGen C2752008, MONDO:0013048, OMIM 612936.

Allele frequency attached by ClinVar (database versions not stated): gnomAD exomes 0.00033 and 0.00097; ExAC 0.00131; gnomAD 0.00396 and 0.00425; TOPMed 0.00439; ESP Exome Variant Server 0.00484; 1000 Genomes Project 0.00619; 1000 Genomes Project 30x 0.00656.
gnomAD v4.1: 1,107 of 1,613,410 alleles (0.069%); highest among the groups gnomAD compares: African/African-American, 1.3%; 11 homozygotes.

Submissions (3):

CeGaT Center for Human Genetics Tuebingen
Classification: Likely benign. Last evaluated: 2026-02-01. Review status: criteria provided, single submitter. Criteria: CeGaT Center For Human Genetics Tuebingen Variant Classification Criteria Version 2. Collection method: clinical testing. Allele origin: germline. Affected: yes. Observed: 5 variant alleles.
Comment: AP4M1: BP4, BP7, BS1

Labcorp Genetics (formerly Invitae), Labcorp
Classification: Benign for Hereditary spastic paraplegia 50. Last evaluated: 2026-01-12. Review status: criteria provided, single submitter. Criteria: Invitae Variant Classification Sherloc (09022015). Collection method: clinical testing. Allele origin: germline.

GeneDx
Classification: Likely benign. Last evaluated: 2021-03-10. Review status: criteria provided, single submitter. Criteria: GeneDx Variant Classification Process June 2021. Collection method: clinical testing. Allele origin: germline. Affected: yes.

NM_004722.4(AP4M1):c.1344C>T (p.Ala448=)

Gene: AP4M1 (adaptor related protein complex 4 subunit mu 1; plus strand). Cytogenetic location: 7q22.1.
Variant type: single nucleotide variant.
Coding change: c.1344C>T on transcript NM_004722.4 (MANE Select); coding-DNA position 1344, C replaced by T.
Protein change: p.Ala448=; no amino-acid change (alanine 448 retained).
Molecular consequence: synonymous variant.
Genome position (GRCh38, 1-based): chr7:100,106,864, C>T. VCF-style: chr7-100106864-C-T. GRCh37 (hg19) VCF-style: chr7-99704487-C-T.
Other names: c.1365C>T, p.Ala455= (NM_001363671.2).
Identifiers: ClinVar variation 695412 (VCV000695412.38), dbSNP rs57403878, ClinGen allele CA4375074.
Genomic context (GRCh38, chr7:100,106,864, plus strand): 5'-CAGGCCATGCGGCAATGCCAACCCCCACAAGTGGGTGCGACACCTAAGCCACAGCGACGC[C>T]TATGTCATTCGGATCTGAGGCTCCCCAAACGAGGACACGACGGCCAAGGTGGCAGTTTGT-3'
Protein context (NP_004713.2, residues 438-453): KWVRHLSHSD[Ala448=]YVIRI